The following is an entry in ClinVar:

ClinVar aggregate classification (germline): Likely pathogenic (1 of 4 stars; one submission).

Conditions:
Fanconi anemia (FA). Also called: Fanconi's anemia. Identifiers: Orphanet 84, MedGen C0015625, MeSH D005199, MONDO:0019391.

Submission:

Natera, Inc.
Classification: Likely pathogenic for Fanconi anemia. Last evaluated: 2025-11-03. Review status: criteria provided, single submitter. Criteria: Natera Variant Classification Schema (03/2026). Collection method: clinical testing. Allele origin: germline.
Comment: The c.728_732del variant in FANCA is a frameshift variant predicted to shift the reading frame beginning at codon 243 and leads to a stop codon 16 codons downstream. This variant is expected to result in nonsense mediated decay, truncation, or a dysfunctional protein product. This variant is rare in the general population with a frequency below the threshold expected for the associated phenotype(s). Given the available evidence, this variant is classified as Likely Pathogenic.

NM_000135.4(FANCA):c.728_732del (p.Val243fs)

Gene: FANCA (FA complementation group A; minus strand). Cytogenetic location: 16q24.3.
Variant type: Deletion.
Coding change: c.728_732del on transcript NM_000135.4 (MANE Select); coding-DNA positions 728 to 732, 5 bases deleted (TTTTG; older notation c.728_732delTTTTG).
Protein change: p.Val243fs; shifts the reading frame from valine 243.
Molecular consequence: frameshift variant.
Genome position (GRCh38, 1-based): chr16:89,803,319-89,803,323, CAAAA deleted on the plus strand (TTTTG on the coding strand, the reverse complement: FANCA is on the minus strand); deleting any 5 consecutive bases within chr16:89,803,319-89,803,327 gives the same sequence; the c. name uses the placement nearest the transcript's 3' end. VCF-style (leftmost placement, unchanged base first): chr16-89803318-TCAAAA-T. GRCh37 (hg19) VCF-style: chr16-89869726-TCAAAA-T.
Other names: c.728_732del, p.Val243fs (NM_001018112.3, NM_001286167.3); c.632_636del, p.Val211fs (NM_001351830.2); short protein forms V211fs, V243fs.
Identifiers: ClinVar variation 4817538 (VCV004817538.1).